The following is an entry in ClinVar:

NM_001375380.1(EBF3):c.1427G>A (p.Ser476Asn)

Gene: EBF3 (EBF transcription factor 3; minus strand). Cytogenetic location: 10q26.3.
Variant type: single nucleotide variant.
Coding change: c.1427G>A on transcript NM_001375380.1 (MANE Select); coding-DNA position 1427, G replaced by A.
Protein change: p.Ser476Asn; replaces serine 476 with asparagine.
Molecular consequence: missense variant. On other transcripts: intron variant (1).
Genome position (GRCh38, 1-based): chr10:129,840,978, C>T on the plus strand (G>A on the coding strand, the complement: EBF3 is on the minus strand). VCF-style: chr10-129840978-C-T. GRCh37 (hg19) VCF-style: chr10-131639242-C-T.
Other names: c.1400G>A, p.Ser467Asn (NM_001005463.3, NM_001375390.1); c.1427G>A, p.Ser476Asn (NM_001375379.1, NM_001375389.1, NM_001375391.1); c.1346-536G>A (NM_001375392.1); short protein forms S467N, S476N.
Identifiers: ClinVar variation 4076547 (VCV004076547.1).

ClinVar aggregate classification (germline): Uncertain significance (1 of 4 stars; one submission).

Submission:

GeneDx
Classification: Uncertain significance. Last evaluated: 2025-02-24. Review status: criteria provided, single submitter. Criteria: GeneDx Variant Classification Process June 2021. Collection method: clinical testing. Allele origin: germline. Affected: yes.
Comment: Not observed at significant frequency in large population cohorts (gnomAD); In silico analysis indicates that this missense variant does not alter protein structure/function; Has not been previously published as pathogenic or benign to our knowledge